The following is an entry in ClinVar:

NM_001001557.4(GDF6):c.556G>A (p.Val186Met)

Gene: GDF6 (growth differentiation factor 6; minus strand). Cytogenetic location: 8q22.1.
Variant type: single nucleotide variant.
Coding change: c.556G>A on transcript NM_001001557.4 (MANE Select); coding-DNA position 556, G replaced by A.
Protein change: p.Val186Met; replaces valine 186 with methionine.
Molecular consequence: missense variant.
Genome position (GRCh38, 1-based): chr8:96,145,375, C>T on the plus strand (G>A on the coding strand, the complement: GDF6 is on the minus strand). VCF-style: chr8-96145375-C-T. GRCh37 (hg19) VCF-style: chr8-97157603-C-T.
Other names: short protein forms V186M.
Identifiers: ClinVar variation 3748953 (VCV003748953.2).

ClinVar aggregate classification (germline): Uncertain significance (1 of 4 stars; one submission).

Conditions:
Klippel-Feil syndrome 1, autosomal dominant (KFS1). Also called: CERVICAL VERTEBRAL FUSION, AUTOSOMAL DOMINANT. Identifiers: Orphanet 2345, MedGen C1861689, MONDO:0007306, OMIM 118100.
Isolated microphthalmia 4. Identifiers: Orphanet 2542, MedGen C2751307, MONDO:0013130, OMIM 613094.
Leber congenital amaurosis 17 (LCA17). Identifiers: Orphanet 65, MedGen C3715164, MONDO:0014145, OMIM 615360.
Microphthalmia, isolated, with coloboma 6 (MCOPCB6). Also called: Microphthalmia with coloboma 6, digenic; Microphthalmia with coloboma 6; MICROPHTHALMIA/COLOBOMA 6. Identifiers: Orphanet 98938, MedGen C3150968, MONDO:0013376, OMIM 613703.

Submission:

Labcorp Genetics (formerly Invitae), Labcorp
Classification: Uncertain significance for Isolated microphthalmia 4; Leber congenital amaurosis 17; Klippel-Feil syndrome 1, autosomal dominant; Microphthalmia, isolated, with coloboma 6. Last evaluated: 2024-11-04. Review status: criteria provided, single submitter. Criteria: Invitae Variant Classification Sherloc (09022015). Collection method: clinical testing. Allele origin: germline.
Comment: This sequence change replaces valine, which is neutral and non-polar, with methionine, which is neutral and non-polar, at codon 186 of the GDF6 protein (p.Val186Met). The frequency data for this variant in the population databases is considered unreliable, as metrics indicate poor data quality at this position in the gnomAD database. This variant has not been reported in the literature in individuals affected with GDF6-related conditions. Invitae Evidence Modeling of protein sequence and biophysical properties (such as structural, functional, and spatial information, amino acid conservation, physicochemical variation, residue mobility, and thermodynamic stability) indicates that this missense variant is not expected to disrupt GDF6 protein function with a negative predictive value of 80%. In summary, the available evidence is currently insufficient to determine the role of this variant in disease. Therefore, it has been classified as a Variant of Uncertain Significance.